The following is an entry in ClinVar:

ClinVar aggregate classification (germline): Uncertain significance. Review status: criteria provided, multiple submitters, no conflicts (2 of 4 stars). 5 submissions from 5 submitters: Uncertain significance (5). Last evaluated 2026-01-28.

Conditions:
Classic or attenuated familial adenomatous polyposis. Identifiers: MedGen CN372698, MONDO:0021057.
Familial adenomatous polyposis 1 (FAP1). Also called: FAMILIAL ADENOMATOUS POLYPOSIS 1, ATTENUATED; POLYPOSIS, ADENOMATOUS INTESTINAL. Identifiers: MedGen C2713442, MONDO:0021056, OMIM 175100. Disease mechanism: loss of function.
Hereditary cancer-predisposing syndrome. Also called: Tumor predisposition; Hereditary Cancer Syndrome; Hereditary neoplastic syndrome; Neoplastic Syndromes, Hereditary. Identifiers: Orphanet 140162, MedGen C0027672, MeSH D009386, MONDO:0015356.

Allele frequency attached by ClinVar (database versions not stated): gnomAD exomes below 0.00001; gnomAD 0.00002; TOPMed 0.00002.

Submissions (5):

Labcorp Genetics (formerly Invitae), Labcorp
Classification: Uncertain significance for Familial adenomatous polyposis 1. Last evaluated: 2026-01-28. Review status: criteria provided, single submitter. Criteria: Invitae Variant Classification Sherloc (09022015). Collection method: clinical testing. Allele origin: germline.
Comment: This sequence change replaces serine, which is neutral and polar, with proline, which is neutral and non-polar, at codon 1890 of the APC protein (p.Ser1890Pro). This variant is present in population databases (no rsID available, gnomAD 0.008%). This variant has not been reported in the literature in individuals affected with APC-related conditions. ClinVar contains an entry for this variant (Variation ID: 411349). Invitae Evidence Modeling of protein sequence and biophysical properties (such as structural, functional, and spatial information, amino acid conservation, physicochemical variation, residue mobility, and thermodynamic stability) indicates that this missense variant is not expected to disrupt APC protein function with a negative predictive value of 95%. In summary, the available evidence is currently insufficient to determine the role of this variant in disease. Therefore, it has been classified as a Variant of Uncertain Significance.

Ambry Genetics
Classification: Uncertain significance for Hereditary cancer-predisposing syndrome. Last evaluated: 2025-11-15. Review status: criteria provided, single submitter. Criteria: Ambry Variant Classification Scheme 2023. Collection method: clinical testing. Allele origin: germline.
Comment: The p.S1890P variant (also known as c.5668T>C), located in coding exon 15 of the APC gene, results from a T to C substitution at nucleotide position 5668. The serine at codon 1890 is replaced by proline, an amino acid with similar properties. This amino acid position is not well conserved in available vertebrate species. In addition, in silico predictors for this gene do not accurately predict pathogenicity. Since supporting evidence is limited at this time, the clinical significance of this alteration remains unclear.

Color Diagnostics, LLC DBA Color Health
Classification: Uncertain significance for Hereditary cancer-predisposing syndrome. Last evaluated: 2023-12-05. Review status: criteria provided, single submitter. Criteria: ACMG Guidelines, 2015. Collection method: clinical testing. Allele origin: germline.
Comment: This missense variant replaces serine with proline at codon 1890 of the APC protein. Computational prediction suggests that this variant may not impact protein structure and function (internally defined REVEL score threshold <= 0.5, PMID: 27666373). To our knowledge, functional studies have not been reported for this variant. This variant has not been reported in individuals affected with APC-related disorders in the literature. This variant has been identified in 2/282408 chromosomes in the general population by the Genome Aggregation Database (gnomAD). The available evidence is insufficient to determine the role of this variant in disease conclusively. Therefore, this variant is classified as a Variant of Uncertain Significance.

Baylor Genetics
Classification: Uncertain significance for Familial adenomatous polyposis 1. Last evaluated: 2023-06-26. Review status: criteria provided, single submitter. Criteria: ACMG Guidelines, 2015. Collection method: clinical testing. Allele origin: unknown.

All of Us Research Program, National Institutes of Health
Classification: Uncertain significance for Classic or attenuated familial adenomatous polyposis. Last evaluated: 2023-04-27. Review status: criteria provided, single submitter. Criteria: ACMG Guidelines, 2015. Collection method: clinical testing. Allele origin: germline. Inheritance: Autosomal dominant inheritance. Observed: 1 variant allele, 1 heterozygote.
Comment: This study involves interpretation of variants in research participants for the purpose of population health screening. Participant phenotype was not available at the time of variant classification. Additional details can be found in publication PMID: 35346344, PMCID: PMC8962531

NM_000038.6(APC):c.5668T>C (p.Ser1890Pro)

Gene: APC (APC regulator of Wnt signaling pathway; plus strand). Cytogenetic location: 5q22.2.
Variant type: single nucleotide variant.
Coding change: c.5668T>C on transcript NM_000038.6 (MANE Select); coding-DNA position 5668, T replaced by C.
Protein change: p.Ser1890Pro; replaces serine 1890 with proline.
Molecular consequence: missense variant.
Genome position (GRCh38, 1-based): chr5:112,841,262, T>C. VCF-style: chr5-112841262-T-C. GRCh37 (hg19) VCF-style: chr5-112176959-T-C.
Other names: c.5668T>C, p.Ser1890Pro (NM_001127510.3, NM_001354895.2); c.5614T>C, p.Ser1872Pro (NM_001127511.3); c.5722T>C, p.Ser1908Pro (NM_001354896.2); c.5698T>C, p.Ser1900Pro (NM_001354897.2); c.5593T>C, p.Ser1865Pro (NM_001354898.2); c.5584T>C, p.Ser1862Pro (NM_001354899.2); c.5545T>C, p.Ser1849Pro (NM_001354900.2); c.5491T>C, p.Ser1831Pro (NM_001354901.2); and 5 more; short protein forms S1872P, S1890P, S1607P, S1764P, S1862P, S1865P, S1799P, S1831P.
Identifiers: ClinVar variation 411349 (VCV000411349.25), dbSNP rs1060503265, ClinGen allele CA16033744.